The following is an entry in ClinVar:

NM_004447.6(EPS8):c.1757A>G (p.Asp586Gly)

Gene: EPS8 (EGFR pathway substrate 8, signaling adaptor; minus strand). Cytogenetic location: 12p12.3.
Variant type: single nucleotide variant.
Coding change: c.1757A>G on transcript NM_004447.6 (MANE Select); coding-DNA position 1757, A replaced by G.
Protein change: p.Asp586Gly; replaces aspartic acid 586 with glycine.
Molecular consequence: missense variant.
Genome position (GRCh38, 1-based): chr12:15,640,767, T>C on the plus strand (A>G on the coding strand, the complement: EPS8 is on the minus strand). VCF-style: chr12-15640767-T-C. GRCh37 (hg19) VCF-style: chr12-15793701-T-C.
Other names: c.1757A>G (NM_004447.5); short protein forms D586G.
Identifiers: ClinVar variation 1348353 (VCV001348353.9), dbSNP rs200128648, ClinGen allele CA6467453.

ClinVar aggregate classification (germline): Uncertain significance. Review status: criteria provided, multiple submitters, no conflicts (2 of 4 stars). 2 submissions from 2 submitters: Uncertain significance (2). Last evaluated 2024-05-29.

Allele frequency attached by ClinVar (database versions not stated): ExAC 0.00001; gnomAD exomes 0.00002 and 0.00005; TOPMed 0.00002; gnomAD 0.00003; ESP Exome Variant Server 0.00008; 1000 Genomes Project 30x 0.00016; 1000 Genomes Project 0.00020.
gnomAD v4.1: 79 of 1,613,958 alleles (0.0049%); highest among the groups gnomAD compares: Non-Finnish European, 0.0065%; no homozygotes.

Submissions (2):

GeneDx
Classification: Uncertain significance. Last evaluated: 2024-05-29. Review status: criteria provided, single submitter. Criteria: GeneDx Variant Classification Process June 2021. Collection method: clinical testing. Allele origin: germline. Affected: yes.
Comment: Not observed at significant frequency in large population cohorts (gnomAD); In silico analysis supports that this missense variant has a deleterious effect on protein structure/function; Has not been previously published as pathogenic or benign to our knowledge

Labcorp Genetics (formerly Invitae), Labcorp
Classification: Uncertain significance. Last evaluated: 2021-07-21. Review status: criteria provided, single submitter. Criteria: Invitae Variant Classification Sherloc (09022015). Collection method: clinical testing. Allele origin: germline.
Comment: This variant is present in population databases (rs200128648, ExAC 0.002%). This variant has not been reported in the literature in individuals affected with EPS8-related conditions. Algorithms developed to predict the effect of missense changes on protein structure and function are either unavailable or do not agree on the potential impact of this missense change (SIFT: "Tolerated"; PolyPhen-2: "Possibly Damaging"; Align-GVGD: "Class C0"). Algorithms developed to predict the effect of sequence changes on RNA splicing suggest that this variant may create or strengthen a splice site. In summary, the available evidence is currently insufficient to determine the role of this variant in disease. Therefore, it has been classified as a Variant of Uncertain Significance. This sequence change replaces aspartic acid with glycine at codon 586 of the EPS8 protein (p.Asp586Gly). The aspartic acid residue is moderately conserved and there is a moderate physicochemical difference between aspartic acid and glycine.